The following is an entry in ClinVar:

NM_015443.4(KANSL1):c.-89-17T>C

Gene: KANSL1 (KAT8 regulatory NSL complex subunit 1). Cytogenetic location: 17q21.31.
Variant type: single nucleotide variant.
Coding change: c.-89-17T>C on transcript NM_015443.4 (MANE Select); 17 bases into the intron before 89 bases upstream of the start codon, T replaced by C.
Molecular consequence: intron variant.
Genome position (GRCh38, 1-based): chr17:46,172,249, A>G on the plus strand (T>C on the coding strand, the complement: KANSL1 is on the minus strand). VCF-style: chr17-46172249-A-G. GRCh37 (hg19) VCF-style: chr17-44249615-A-G.
Other names: c.-89-17T>C (NM_001193465.2, NM_001379198.1, NM_001193466.2).
Identifiers: ClinVar variation 383614 (VCV000383614.2), dbSNP rs1051577933, ClinGen allele CA16607328.
Genomic context (GRCh38, chr17:46,172,249, plus strand): 5'-CGAGGCCAGCTCCACGGCCCCTTACTGCCTCCCCAGAGAACAGACTAGAAGAGAAAGGAG[A>G]AAAGAATATTAGAAATACAAGCACTTTTAAAAACATGTATATTTTTAACAAAAGCACTAC-3'

ClinVar aggregate classification (germline): Likely benign. Review status: criteria provided, multiple submitters, no conflicts (2 of 4 stars). 2 submissions from 2 submitters: Likely benign (2). Last evaluated 2021-12-14.

Conditions:
Koolen-de Vries syndrome (KDVS). Identifiers: Orphanet 96169, MedGen C1864871, MONDO:0012496, OMIM 610443.

Allele frequency attached by ClinVar (database versions not stated): gnomAD 0.00001 and 0.00002; gnomAD exomes 0.00003.
gnomAD v4.1: 28 of 1,097,164 alleles (0.0026%); highest among the groups gnomAD compares: Admixed American, 0.0058%; no homozygotes.

Submissions (2):

Fulgent Genetics
Classification: Likely benign for Koolen-de Vries syndrome. Last evaluated: 2021-12-14. Review status: criteria provided, single submitter. Criteria: ACMG Guidelines, 2015. Collection method: clinical testing. Allele origin: unknown.

GeneDx
Classification: Likely benign. Last evaluated: 2016-02-15. Review status: criteria provided, single submitter. Criteria: GeneDx Variant Classification (06012015). Collection method: clinical testing. Allele origin: germline. Affected: yes.
Comment: This variant is considered likely benign or benign based on one or more of the following criteria: it is a conservative change, it occurs at a poorly conserved position in the protein, it is predicted to be benign by multiple in silico algorithms, and/or has population frequency not consistent with disease.